The following is an entry in ClinVar:

NM_003051.4(SLC16A1):c.1285G>A (p.Val429Ile)

Gene: SLC16A1 (solute carrier family 16 member 1; minus strand). Cytogenetic location: 1p13.2.
Variant type: single nucleotide variant.
Coding change: c.1285G>A on transcript NM_003051.4 (MANE Select); coding-DNA position 1285, G replaced by A.
Protein change: p.Val429Ile; replaces valine 429 with isoleucine.
Molecular consequence: missense variant.
Genome position (GRCh38, 1-based): chr1:112,914,109, C>T on the plus strand (G>A on the coding strand, the complement: SLC16A1 is on the minus strand). VCF-style: chr1-112914109-C-T. GRCh37 (hg19) VCF-style: chr1-113456731-C-T.
Other names: c.1285G>A, p.Val429Ile (NM_001166496.2); short protein forms V429I.
Identifiers: ClinVar variation 1434023 (VCV001434023.8), dbSNP rs151166713, ClinGen allele CA1011269.

ClinVar aggregate classification (germline): Uncertain significance. Review status: criteria provided, multiple submitters, no conflicts (2 of 4 stars). 2 submissions from 2 submitters: Uncertain significance (2). Last evaluated 2024-09-19.

Allele frequency attached by ClinVar (database versions not stated): gnomAD exomes 0.00001 and 0.00002; ExAC 0.00003; ESP Exome Variant Server 0.00008; 1000 Genomes Project 30x 0.00016; 1000 Genomes Project 0.00020.
gnomAD v4.1: 23 of 1,614,118 alleles (0.0014%); highest among the groups gnomAD compares: East Asian, 0.018%; no homozygotes.

Submissions (2):

Labcorp Genetics (formerly Invitae), Labcorp
Classification: Uncertain significance. Last evaluated: 2024-09-19. Review status: criteria provided, single submitter. Criteria: Invitae Variant Classification Sherloc (09022015). Collection method: clinical testing. Allele origin: germline.
Comment: This sequence change replaces valine, which is neutral and non-polar, with isoleucine, which is neutral and non-polar, at codon 429 of the SLC16A1 protein (p.Val429Ile). This variant is present in population databases (rs151166713, gnomAD 0.01%). This variant has not been reported in the literature in individuals affected with SLC16A1-related conditions. ClinVar contains an entry for this variant (Variation ID: 1434023). An algorithm developed to predict the effect of missense changes on protein structure and function outputs the following: PolyPhen-2: "Benign". The isoleucine amino acid residue is found in multiple mammalian species, which suggests that this missense change does not adversely affect protein function. In summary, the available evidence is currently insufficient to determine the role of this variant in disease. Therefore, it has been classified as a Variant of Uncertain Significance.

ARUP Laboratories, Molecular Genetics and Genomics, ARUP Laboratories
Classification: Uncertain significance. Last evaluated: 2022-08-17. Review status: criteria provided, single submitter. Criteria: ARUP Molecular Germline Variant Investigation Process 2021. Collection method: clinical testing. Allele origin: germline.
Comment: The SLC16A1 c.1285G>A; p.Val429Ile variant (rs151166713), to our knowledge, is not reported in the medical literature or gene specific databases. This variant is found in the general population with an overall allele frequency of 0.002% (6/251446 alleles) in the Genome Aggregation Database. The valine at codon 429 is weakly conserved, and computational analyses predict that this variant is neutral (REVEL: 0.118). Due to limited information, the clinical significance of this variant is uncertain at this time.